The following is an entry in ClinVar:

ClinVar aggregate classification (germline): Uncertain significance (1 of 4 stars; one submission).

Conditions:
Gnathodiaphyseal dysplasia (GDD). Also called: GNATHODIAPHYSEAL SCLEROSIS; OSTEOGENESIS IMPERFECTA WITH UNUSUAL SKELETAL LESIONS. Identifiers: Orphanet 53697, MedGen C1833736, MONDO:0008151, OMIM 166260.
Autosomal recessive limb-girdle muscular dystrophy type 2L (LGMDR12). Also called: MUSCULAR DYSTROPHY, LIMB-GIRDLE, AUTOSOMAL RECESSIVE 12; Limb-Girdle Muscular Dystrophy R12 Anoctamin-5-Related (LGMD-R12); Limb-girdle muscular dystrophy, type 2L. Identifiers: Orphanet 206549, MedGen C1969785, MONDO:0012652, OMIM 611307.

Allele frequency attached by ClinVar (database versions not stated): gnomAD exomes 0.00001; ExAC 0.00002; TOPMed 0.00003.

Submission:

Labcorp Genetics (formerly Invitae), Labcorp
Classification: Uncertain significance for Autosomal recessive limb-girdle muscular dystrophy type 2L; Gnathodiaphyseal dysplasia. Last evaluated: 2025-08-14. Review status: criteria provided, single submitter. Criteria: Invitae Variant Classification Sherloc (09022015). Collection method: clinical testing. Allele origin: germline.
Comment: This sequence change replaces phenylalanine, which is neutral and non-polar, with leucine, which is neutral and non-polar, at codon 582 of the ANO5 protein (p.Phe582Leu). This variant is present in population databases (rs267602823, gnomAD 0.009%). This variant has not been reported in the literature in individuals affected with ANO5-related conditions. ClinVar contains an entry for this variant (Variation ID: 862326). An algorithm developed to predict the effect of missense changes on protein structure and function outputs the following: PolyPhen-2: "Benign". The leucine amino acid residue is found in multiple mammalian species, which suggests that this missense change does not adversely affect protein function. Algorithms developed to predict the effect of sequence changes on RNA splicing suggest that this variant may disrupt the consensus splice site. In summary, the available evidence is currently insufficient to determine the role of this variant in disease. Therefore, it has been classified as a Variant of Uncertain Significance.

NM_213599.3(ANO5):c.1746C>A (p.Phe582Leu)

Gene: ANO5 (anoctamin 5; plus strand). Cytogenetic location: 11p14.3.
Variant type: single nucleotide variant.
Coding change: c.1746C>A on transcript NM_213599.3 (MANE Select); coding-DNA position 1746, C replaced by A.
Protein change: p.Phe582Leu; replaces phenylalanine 582 with leucine.
Molecular consequence: missense variant.
Genome position (GRCh38, 1-based): chr11:22,262,244, C>A. VCF-style: chr11-22262244-C-A. GRCh37 (hg19) VCF-style: chr11-22283790-C-A.
Other names: c.1743C>A, p.Phe581Leu (NM_001142649.2); short protein forms F582L, F581L.
Identifiers: ClinVar variation 862326 (VCV000862326.10), dbSNP rs267602823, ClinGen allele CA5923334.
Genomic context (GRCh38, chr11:22,262,244, plus strand): 5'-GTTTCAGTTTGTAAATTTTTACTCATCCTGCTTCTACGTAGCTTTCTTTAAAGGGAAGTT[C>A]GTAGGCTATCCTGGAAAATACACATATTTATTTAATGAGTGGAGAAGTGAAGAGGTAAGA-3'
Protein context (NP_998764.1, residues 572-592): CFYVAFFKGK[Phe582Leu]VGYPGKYTYL